The following is an entry in ClinVar:

ClinVar aggregate classification (germline): Uncertain significance (1 of 4 stars; one submission).

Allele frequency attached by ClinVar (database versions not stated): ExAC 0.00001; gnomAD exomes 0.00001; gnomAD 0.00002.
gnomAD v4.1: 26 of 1,613,672 alleles (0.0016%); highest among the groups gnomAD compares: African/African-American, 0.0067%; no homozygotes.

Submission:

Labcorp Genetics (formerly Invitae), Labcorp
Classification: Uncertain significance. Last evaluated: 2024-01-03. Review status: criteria provided, single submitter. Criteria: Invitae Variant Classification Sherloc (09022015). Collection method: clinical testing. Allele origin: germline.
Comment: This sequence change replaces proline, which is neutral and non-polar, with leucine, which is neutral and non-polar, at codon 1444 of the ARID1B protein (p.Pro1444Leu). This variant is present in population databases (rs770643408, gnomAD 0.003%). This variant has not been reported in the literature in individuals affected with ARID1B-related conditions. Advanced modeling of protein sequence and biophysical properties (such as structural, functional, and spatial information, amino acid conservation, physicochemical variation, residue mobility, and thermodynamic stability) has been performed at Invitae for this missense variant, however the output from this modeling did not meet the statistical confidence thresholds required to predict the impact of this variant on ARID1B protein function. In summary, the available evidence is currently insufficient to determine the role of this variant in disease. Therefore, it has been classified as a Variant of Uncertain Significance.

NM_001374828.1(ARID1B):c.4700C>T (p.Pro1567Leu)

Gene: ARID1B (AT-rich interaction domain 1B; plus strand). Cytogenetic location: 6q25.3.
Variant type: single nucleotide variant.
Coding change: c.4700C>T on transcript NM_001374828.1 (MANE Select); coding-DNA position 4700, C replaced by T.
Protein change: p.Pro1567Leu; replaces proline 1567 with leucine.
Molecular consequence: missense variant.
Genome position (GRCh38, 1-based): chr6:157,200,925, C>T. VCF-style: chr6-157200925-C-T. GRCh37 (hg19) VCF-style: chr6-157522059-C-T.
Other names: c.4451C>T, p.Pro1484Leu (NM_001346813.1); c.2201C>T, p.Pro734Leu (NM_001363725.2); c.4580C>T, p.Pro1527Leu (NM_001371656.1, NM_001374820.1); c.4541C>T, p.Pro1514Leu (NM_017519.3); c.4331C>T, p.Pro1444Leu (NM_020732.3); c.4118C>T, p.Pro1373Leu (NM_175863.2); short protein forms P1373L, P1567L, P1484L, P1527L, P1444L, P1514L, P734L.
Identifiers: ClinVar variation 2913510 (VCV002913510.3), dbSNP rs770643408, ClinGen allele CA4067687.